The following is an entry in ClinVar:

NM_015559.3(SETBP1):c.334C>T (p.Arg112Trp)

Gene: SETBP1 (SET binding protein 1; plus strand). Cytogenetic location: 18q12.3.
Variant type: single nucleotide variant.
Coding change: c.334C>T on transcript NM_015559.3 (MANE Select); coding-DNA position 334, C replaced by T.
Protein change: p.Arg112Trp; replaces arginine 112 with tryptophan.
Molecular consequence: missense variant.
Genome position (GRCh38, 1-based): chr18:44,701,680, C>T. VCF-style: chr18-44701680-C-T. GRCh37 (hg19) VCF-style: chr18-42281645-C-T.
Other names: c.334C>T, p.Arg112Trp (NM_001130110.2, NM_001379141.1, NM_001379142.1); short protein forms R112W.
Identifiers: ClinVar variation 1700470 (VCV001700470.2), dbSNP rs2144198183, ClinGen allele CA402481949.
Genomic context (GRCh38, chr18:44,701,680, plus strand): 5'-TCTATCAAGGAGGCAAACTTCACAGAGGGAAGTCTGAAGCTAAAGATTCAGACCACAAAG[C>T]GGGCTAAGAAACCCCCAAAGAATTTGGAGAACTATATATGTCCACCTGAGATCAAGATCA-3'
Protein context (NP_056374.2, residues 102-122): SLKLKIQTTK[Arg112Trp]AKKPPKNLEN

ClinVar aggregate classification (germline): Uncertain significance (1 of 4 stars; one submission).

Allele frequency attached by ClinVar (database versions not stated): gnomAD exomes below 0.00001.
gnomAD v4.1: 3 of 1,614,118 alleles (0.00019%); highest among the groups gnomAD compares: South Asian, 0.0011%; no homozygotes.

Submission:

GeneDx
Classification: Uncertain significance. Last evaluated: 2022-02-06. Review status: criteria provided, single submitter. Criteria: GeneDx Variant Classification Process June 2021. Collection method: clinical testing. Allele origin: germline. Affected: yes.
Comment: Not observed at significant frequency in large population cohorts (gnomAD); In silico analysis supports that this missense variant has a deleterious effect on protein structure/function; Has not been previously published as pathogenic or benign to our knowledge